The following is an entry in ClinVar:

ClinVar aggregate classification (germline): Conflicting classifications of pathogenicity. Review status: criteria provided, conflicting classifications (1 of 4 stars). 3 submissions from 3 submitters: Uncertain significance (1); Likely benign (1). 1 of the submissions does not count toward it. Last evaluated 2025-08-31.

Conditions:
SALL4-Related Disorders. Also called: SALL4-related condition; SALL4-related disorder. Identifiers: MedGen CN381056.
Duane-radial ray syndrome (DRRS). Also called: ACRORENOOCULAR SYNDROME; DR SYNDROME; DUANE ANOMALY WITH RADIAL RAY ABNORMALITIES AND DEAFNESS; Duane-Radial Ray Syndrome (DRRS) / Okihiro Syndrome; Okihiro Syndrome; Duane-Radial Ray Syndrome/Okihiro Syndrome. Identifiers: Orphanet 93293, Orphanet 959, MedGen C1623209, MONDO:0011812, OMIM 607323. Disease mechanism: gain of function.

Allele frequency attached by ClinVar (database versions not stated): gnomAD exomes 0.00003 and 0.00009; ExAC 0.00011; gnomAD 0.00029 and 0.00031; 1000 Genomes Project 30x 0.00031; TOPMed 0.00037; 1000 Genomes Project 0.00040; ESP Exome Variant Server 0.00046.
gnomAD v4.1: 91 of 1,614,080 alleles (0.0056%); highest among the groups gnomAD compares: African/African-American, 0.12%; no homozygotes.

Submissions (3):

Labcorp Genetics (formerly Invitae), Labcorp
Classification: Likely benign for Duane-radial ray syndrome. Last evaluated: 2025-08-31. Review status: criteria provided, single submitter. Criteria: Invitae Variant Classification Sherloc (09022015). Collection method: clinical testing. Allele origin: germline.

Eurofins Ntd Llc (ga)
Classification: Uncertain significance. Last evaluated: 2017-04-17. Review status: criteria provided, single submitter. Criteria: EGL Classification Definitions 2015. Collection method: clinical testing. Allele origin: germline. Observed: 2 variant alleles, 2 heterozygotes.

PreventionGenetics, part of Exact Sciences
Classification: Likely benign for SALL4-related condition. Last evaluated: 2023-04-24. Review status: no assertion criteria provided. Collection method: clinical testing. Allele origin: germline. Not counted in ClinVar's aggregate classification.
Comment: This variant is classified as likely benign based on ACMG/AMP sequence variant interpretation guidelines (Richards et al. 2015 PMID: 25741868, with internal and published modifications).

NM_020436.5(SALL4):c.1630C>T (p.Pro544Ser)

Gene: SALL4 (spalt like transcription factor 4; minus strand). Cytogenetic location: 20q13.2.
Variant type: single nucleotide variant.
Coding change: c.1630C>T on transcript NM_020436.5 (MANE Select); coding-DNA position 1630, C replaced by T.
Protein change: p.Pro544Ser; replaces proline 544 with serine.
Molecular consequence: missense variant. On other transcripts: intron variant (1).
Genome position (GRCh38, 1-based): chr20:51,790,853, G>A on the plus strand (C>T on the coding strand, the complement: SALL4 is on the minus strand). VCF-style: chr20-51790853-G-A. GRCh37 (hg19) VCF-style: chr20-50407392-G-A.
Other names: c.1150+480C>T (NM_001318031.2); c.1630C>T (NM_020436.4); short protein forms P544S.
Identifiers: ClinVar variation 287161 (VCV000287161.11), dbSNP rs150402866, ClinGen allele CA9912249.